The following is an entry in ClinVar:

ClinVar aggregate classification (germline): Likely benign. Review status: criteria provided, single submitter (1 of 4 stars). 2 submissions from 2 submitters: Likely benign (1). 1 of the submissions does not count toward it. Last evaluated 2023-09-26.

Conditions:
PEX16-related disorder. Also called: PEX16-related condition.
Peroxisome biogenesis disorder. Identifiers: Orphanet 79189, MedGen C1832200, MONDO:0019234. Disease mechanism: loss of function.

Allele frequency attached by ClinVar (database versions not stated): gnomAD exomes below 0.00001; TOPMed below 0.00001; gnomAD 0.00002 and 0.00003.

Submissions (2):

Labcorp Genetics (formerly Invitae), Labcorp
Classification: Likely benign for Peroxisome biogenesis disorder. Last evaluated: 2023-09-26. Review status: criteria provided, single submitter. Criteria: Invitae Variant Classification Sherloc (09022015). Collection method: clinical testing. Allele origin: germline.

PreventionGenetics, part of Exact Sciences
Classification: Likely benign for PEX16-related condition. Last evaluated: 2019-05-30. Review status: no assertion criteria provided. Collection method: clinical testing. Allele origin: germline. Not counted in ClinVar's aggregate classification.
Comment: This variant is classified as likely benign based on ACMG/AMP sequence variant interpretation guidelines (Richards et al. 2015 PMID: 25741868, with internal and published modifications).

NM_004813.4(PEX16):c.888-7C>T

Gene: PEX16 (peroxisomal biogenesis factor 16; minus strand). Cytogenetic location: 11p11.2.
Variant type: single nucleotide variant.
Coding change: c.888-7C>T on transcript NM_004813.4 (MANE Select); 7 bases into the intron before coding-DNA position 888, C replaced by T.
Molecular consequence: intron variant.
Genome position (GRCh38, 1-based): chr11:45,910,969, G>A on the plus strand (C>T on the coding strand, the complement: PEX16 is on the minus strand). VCF-style: chr11-45910969-G-A. GRCh37 (hg19) VCF-style: chr11-45932520-G-A.
Other names: c.888-7C>T (NM_057174.3, NM_004813.2).
Identifiers: ClinVar variation 1636620 (VCV001636620.10), dbSNP rs890395851, ClinGen allele CA599028354.